The following is an entry in ClinVar:

NM_021830.5(TWNK):c.533C>T (p.Thr178Ile)

Gene: TWNK (twinkle mtDNA helicase; plus strand). Cytogenetic location: 10q24.31.
Variant type: single nucleotide variant.
Coding change: c.533C>T on transcript NM_021830.5 (MANE Select); coding-DNA position 533, C replaced by T.
Protein change: p.Thr178Ile; replaces threonine 178 with isoleucine.
Molecular consequence: missense variant. On other transcripts: non-coding transcript variant (4), intron variant (3).
Genome position (GRCh38, 1-based): chr10:100,988,743, C>T. VCF-style: chr10-100988743-C-T. GRCh37 (hg19) VCF-style: chr10-102748500-C-T.
Other names: c.533C>T, p.Thr178Ile (NM_001163812.2); c.-119-901C>T (NM_001163814.2, NM_001163813.2); c.-57-963C>T (NM_001368275.1); short protein forms T178I.
Identifiers: ClinVar variation 2998540 (VCV002998540.3), dbSNP rs756400035, ClinGen allele CA378207583.

ClinVar aggregate classification (germline): Uncertain significance (1 of 4 stars; one submission).

gnomAD v4.1: 1 of 1,614,174 alleles (0.000062%); highest among the groups gnomAD compares: Non-Finnish European, 0.000085%; no homozygotes.

Submission:

Labcorp Genetics (formerly Invitae), Labcorp
Classification: Uncertain significance. Last evaluated: 2023-08-23. Review status: criteria provided, single submitter. Criteria: Invitae Variant Classification Sherloc (09022015). Collection method: clinical testing. Allele origin: germline.
Comment: In summary, the available evidence is currently insufficient to determine the role of this variant in disease. Therefore, it has been classified as a Variant of Uncertain Significance. Advanced modeling of protein sequence and biophysical properties (such as structural, functional, and spatial information, amino acid conservation, physicochemical variation, residue mobility, and thermodynamic stability) performed at Invitae indicates that this missense variant is not expected to disrupt TWNK protein function. This variant has not been reported in the literature in individuals affected with TWNK-related conditions. This variant is not present in population databases (gnomAD no frequency). This sequence change replaces threonine, which is neutral and polar, with isoleucine, which is neutral and non-polar, at codon 178 of the TWNK protein (p.Thr178Ile).